The following is an entry in ClinVar:

NM_000380.4(XPA):c.739G>A (p.Gly247Arg)

Gene: XPA (XPA, DNA damage recognition and repair factor; minus strand). Cytogenetic location: 9q22.33.
Variant type: single nucleotide variant.
Coding change: c.739G>A on transcript NM_000380.4 (MANE Select); coding-DNA position 739, G replaced by A.
Protein change: p.Gly247Arg; replaces glycine 247 with arginine.
Molecular consequence: missense variant. On other transcripts: non-coding transcript variant (5).
Genome position (GRCh38, 1-based): chr9:97,675,522, C>T on the plus strand (G>A on the coding strand, the complement: XPA is on the minus strand). VCF-style: chr9-97675522-C-T. GRCh37 (hg19) VCF-style: chr9-100437804-C-T.
Other names: c.613G>A, p.Gly205Arg (NM_001354975.2); short protein forms G205R, G247R.
Identifiers: ClinVar variation 1692419 (VCV001692419.4), dbSNP rs963248210, ClinGen allele CA196741982.
Genomic context (GRCh38, chr9:97,675,522, plus strand): 5'-CATGGCCACACATAGTACAAGTCTTACGGTACATGTCATCTTCTAGGTTTTCTTCTGGTC[C>T]ATACTCATGTTGATGAACAATCGTCTCCCTTTTCCACACGCTGCTTCTTACTGCTCGCCG-3'
Protein context (NP_000371.1, residues 237-257): RETIVHQHEY[Gly247Arg]PEENLEDDMY

ClinVar aggregate classification (germline): Uncertain significance. Review status: criteria provided, multiple submitters, no conflicts (2 of 4 stars). 2 submissions from 2 submitters: Uncertain significance (2). Last evaluated 2023-12-12.

Conditions:
Xeroderma pigmentosum (XP). Identifiers: Orphanet 910, MedGen C0043346, MONDO:0019600.

Allele frequency attached by ClinVar (database versions not stated): gnomAD exomes 0.00002 and 0.00011; gnomAD 0.00003 and 0.00004; TOPMed 0.00004.
gnomAD v4.1: 156 of 1,613,788 alleles (0.0097%); highest among the groups gnomAD compares: Non-Finnish European, 0.013%; no homozygotes.

Submissions (2):

Labcorp Genetics (formerly Invitae), Labcorp
Classification: Uncertain significance. Last evaluated: 2023-12-12. Review status: criteria provided, single submitter. Criteria: Invitae Variant Classification Sherloc (09022015). Collection method: clinical testing. Allele origin: germline.
Comment: This sequence change replaces glycine, which is neutral and non-polar, with arginine, which is basic and polar, at codon 247 of the XPA protein (p.Gly247Arg). This variant is present in population databases (no rsID available, gnomAD 0.004%). This variant has not been reported in the literature in individuals affected with XPA-related conditions. ClinVar contains an entry for this variant (Variation ID: 1692419). Advanced modeling of protein sequence and biophysical properties (such as structural, functional, and spatial information, amino acid conservation, physicochemical variation, residue mobility, and thermodynamic stability) performed at Invitae indicates that this missense variant is expected to disrupt XPA protein function with a positive predictive value of 80%. In summary, the available evidence is currently insufficient to determine the role of this variant in disease. Therefore, it has been classified as a Variant of Uncertain Significance.

Sema4
Classification: Uncertain significance for Xeroderma pigmentosum. Last evaluated: 2021-11-03. Review status: criteria provided, single submitter. Criteria: Sema4 Curation Guidelines. Collection method: curation. Allele origin: germline.
Comment: The XPA c.739G>A (p.G247R) variant has not been reported in the literature to our knowledge. It was observed in 6/282648 chromosomes in the large and broad cohorts of the Genome Aggregation Database (PMID: 32461654), but has not been reported in ClinVar. Functional studies have not been performed, and in silico predictions of the variant's effect on protein function are inconclusive. The evidence is insufficient to meet ACMG/AMP criteria for classifying the variant as benign or pathogenic. Thus, the clinical significance of this variant is currently uncertain.